The following is an entry in ClinVar:

NM_001854.4(COL11A1):c.898-272A>G

Gene: COL11A1 (collagen type XI alpha 1 chain; minus strand). Cytogenetic location: 1p21.1.
Variant type: single nucleotide variant.
Coding change: c.898-272A>G on transcript NM_001854.4 (MANE Select); 272 bases into the intron before coding-DNA position 898, A replaced by G.
Molecular consequence: intron variant. On other transcripts: missense variant (1).
Genome position (GRCh38, 1-based): chr1:103,025,885, T>C on the plus strand (A>G on the coding strand, the complement: COL11A1 is on the minus strand). VCF-style: chr1-103025885-T-C. GRCh37 (hg19) VCF-style: chr1-103491441-T-C.
Other names: c.848A>G, p.Lys283Arg (NM_080629.3); c.781-272A>G (NM_001190709.2); c.897+331A>G (NM_080630.4); short protein forms K283R.
Identifiers: ClinVar variation 3352786 (VCV003352786.1).

ClinVar aggregate classification (germline): Uncertain significance (0 of 4 stars; one submission).

Conditions:
COL11A1-related disorder. Also called: COL11A1-related condition; COL11A1-related disorders.

gnomAD v4.1: 5 of 1,613,234 alleles (0.00031%); highest among the groups gnomAD compares: Non-Finnish European, 0.00042%; no homozygotes.

Submission:

PreventionGenetics, part of Exact Sciences
Classification: Uncertain significance for COL11A1-related condition. Last evaluated: 2024-09-05. Review status: no assertion criteria provided. Collection method: clinical testing. Allele origin: germline.
Comment: The COL11A1 c.848A>G variant is predicted to result in the amino acid substitution p.Lys283Arg. To our knowledge, this variant has not been reported in the literature. This variant corresponds to a deep intronic position in the primary transcript for this gene (NM_001854:c.898-272A>G). This variant is reported in 0.00088% of alleles in individuals of European (Non-Finnish) descent in gnomAD. At this time, the clinical significance of this variant is uncertain due to the absence of conclusive functional and genetic evidence.